The following is an entry in ClinVar:

NM_001367624.2(ZNF469):c.6854C>A (p.Ala2285Asp)

Gene: ZNF469 (zinc finger protein 469; plus strand). Cytogenetic location: 16q24.2.
Variant type: single nucleotide variant.
Coding change: c.6854C>A on transcript NM_001367624.2 (MANE Select); coding-DNA position 6854, C replaced by A.
Protein change: p.Ala2285Asp; replaces alanine 2285 with aspartic acid.
Molecular consequence: missense variant.
Genome position (GRCh38, 1-based): chr16:88,434,324, C>A. VCF-style: chr16-88434324-C-A. GRCh37 (hg19) VCF-style: chr16-88500732-C-A.
Other names: short protein forms A2285D.
Identifiers: ClinVar variation 2776172 (VCV002776172.3), dbSNP rs1465299707, ClinGen allele CA397107357.

ClinVar aggregate classification (germline): Uncertain significance (1 of 4 stars; one submission).

gnomAD v4.1: 1 of 1,550,342 alleles (0.000065%); highest among the groups gnomAD compares: Non-Finnish European, 0.000087%; no homozygotes.

Submission:

Labcorp Genetics (formerly Invitae), Labcorp
Classification: Uncertain significance. Last evaluated: 2023-10-17. Review status: criteria provided, single submitter. Criteria: Invitae Variant Classification Sherloc (09022015). Collection method: clinical testing. Allele origin: germline.
Comment: This sequence change replaces alanine, which is neutral and non-polar, with aspartic acid, which is acidic and polar, at codon 2257 of the ZNF469 protein (p.Ala2257Asp). This variant is not present in population databases (gnomAD no frequency). This variant has not been reported in the literature in individuals affected with ZNF469-related conditions. Algorithms developed to predict the effect of missense changes on protein structure and function output the following: SIFT: "Not Available"; PolyPhen-2: "Benign"; Align-GVGD: "Not Available". The aspartic acid amino acid residue is found in multiple mammalian species, which suggests that this missense change does not adversely affect protein function. In summary, the available evidence is currently insufficient to determine the role of this variant in disease. Therefore, it has been classified as a Variant of Uncertain Significance.